The following is an entry in ClinVar:

NM_000295.5(SERPINA1):c.*1067G>A

Gene: SERPINA1 (serpin family A member 1; minus strand). Cytogenetic location: 14q32.13.
Variant type: single nucleotide variant.
Coding change: c.*1067G>A on transcript NM_000295.5 (MANE Select); 1067 bases downstream of the stop codon, G replaced by A.
Molecular consequence: 3 prime UTR variant.
Genome position (GRCh38, 1-based): chr14:94,377,382, C>T on the plus strand (G>A on the coding strand, the complement: SERPINA1 is on the minus strand). VCF-style: chr14-94377382-C-T. GRCh37 (hg19) VCF-style: chr14-94843719-C-T.
Other names: c.*1067G>A (NM_001002235.3, NM_001002236.3, NM_001127700.2 and 7 more transcripts).
Identifiers: ClinVar variation 315007 (VCV000315007.6), dbSNP rs11628917, ClinGen allele CA10641346.

ClinVar aggregate classification (germline): Benign. Review status: criteria provided, multiple submitters, no conflicts (2 of 4 stars). 2 submissions from 2 submitters: Benign (2). Last evaluated 2018-01-13.

Conditions:
Alpha-1-antitrypsin deficiency (A1ATD). Also called: Alpha1-Antitrypsin Deficiency; AAT deficiency; A1AT deficiency. Identifiers: Orphanet 60, MedGen C0221757, MONDO:0013282, OMIM 613490.

Allele frequency attached by ClinVar (database versions not stated): 1000 Genomes Project 0.09405; 1000 Genomes Project 30x 0.09666; gnomAD 0.09897 and 0.10141; TOPMed 0.10119; gnomAD exomes 0.10204.

Submissions (2):

Illumina Laboratory Services, Illumina
Classification: Benign for Alpha-1-antitrypsin deficiency. Last evaluated: 2018-01-13. Review status: criteria provided, single submitter. Criteria: ICSL Variant Classification Criteria 13 December 2019. Collection method: clinical testing. Allele origin: germline.
Comment: This variant was observed in the ICSL laboratory as part of a predisposition screen in an ostensibly healthy population. It had not been previously curated by ICSL or reported in the Human Gene Mutation Database (HGMD: prior to June 1st, 2018), and was therefore a candidate for classification through an automated scoring system. Utilizing variant allele frequency, disease prevalence and penetrance estimates, and inheritance mode, an automated score was calculated to assess if this variant is too frequent to cause the disease. Based on the score and internal cut-off values, a variant classified as benign is not then subjected to further curation. The score for this variant resulted in a classification of benign for this disease.

Breakthrough Genomics
Classification: Benign. Review status: criteria provided, single submitter. Criteria: ACMG Guidelines, 2015. Collection method: not provided. Allele origin: germline. Inheritance: Autosomal recessive inheritance. Affected: yes.